The following is an entry in ClinVar:

ClinVar aggregate classification (germline): Benign/Likely benign. Review status: criteria provided, multiple submitters, no conflicts (2 of 4 stars). 17 submissions from 15 submitters: Benign (12); Likely benign (2). 3 of the submissions do not count toward it. Last evaluated 2026-02-04.

Conditions:
Autosomal dominant nonsyndromic hearing loss 10. Identifiers: Orphanet 90635, MedGen C1832476, MONDO:0011031, OMIM 601316.
Dilated cardiomyopathy 1J (CMD1J). Also called: CARDIOMYOPATHY, DILATED, WITH SENSORINEURAL HEARING LOSS, AUTOSOMAL DOMINANT. Identifiers: Orphanet 217622, MedGen C1854368, MONDO:0011541, OMIM 605362.
Cardiovascular phenotype. Identifiers: MedGen CN230736.

Allele frequency attached by ClinVar (database versions not stated): ESP Exome Variant Server 0.38298; TOPMed 0.38835; 1000 Genomes Project 0.40954; 1000 Genomes Project 30x 0.41131; gnomAD exomes 0.33304; ExAC 0.34169; gnomAD 0.37757 and 0.37885.
gnomAD v4.1: 532,992 of 1,609,232 alleles (33%); highest among the groups gnomAD compares: African/African-American, 54%; 91,266 homozygotes.

Submissions (17):

Labcorp Genetics (formerly Invitae), Labcorp
Classification: Benign for Dilated cardiomyopathy 1J. Last evaluated: 2026-02-04. Review status: criteria provided, single submitter. Criteria: Invitae Variant Classification Sherloc (09022015). Collection method: clinical testing. Allele origin: germline.

Fulgent Genetics
Classification: Benign for Autosomal dominant nonsyndromic hearing loss 10; Dilated cardiomyopathy 1J. Last evaluated: 2022-03-30. Review status: criteria provided, single submitter. Criteria: ACMG Guidelines, 2015. Collection method: clinical testing. Allele origin: unknown.

Genome-Nilou Lab
Classification: Benign for Autosomal dominant nonsyndromic hearing loss 10. Last evaluated: 2021-08-10. Review status: criteria provided, single submitter. Criteria: ACMG Guidelines, 2015. Collection method: clinical testing. Allele origin: germline. Affected: no.

Genome-Nilou Lab
Classification: Benign for Dilated cardiomyopathy 1J. Last evaluated: 2021-08-10. Review status: criteria provided, single submitter. Criteria: ACMG Guidelines, 2015. Collection method: clinical testing. Allele origin: germline. Affected: no.

Mayo Clinic Laboratories, Mayo Clinic
Classification: Benign. Last evaluated: 2020-10-20. Review status: criteria provided, single submitter. Criteria: ACMG Guidelines, 2015. Collection method: clinical testing. Allele origin: germline. Observed: 85 variant alleles.

Women's Health and Genetics/Laboratory Corporation of America, LabCorp
Classification: Likely benign. Last evaluated: 2020-08-11. Review status: criteria provided, single submitter. Criteria: LabCorp Variant Classification Summary - May 2015. Collection method: clinical testing. Allele origin: germline.

Illumina Laboratory Services, Illumina
Classification: Benign for Dilated cardiomyopathy 1J. Last evaluated: 2018-01-13. Review status: criteria provided, single submitter. Criteria: ICSL Variant Classification Criteria 13 December 2019. Collection method: clinical testing. Allele origin: germline.
Comment: This variant was observed in the ICSL laboratory as part of a predisposition screen in an ostensibly healthy population. It had not been previously curated by ICSL or reported in the Human Gene Mutation Database (HGMD: prior to June 1st, 2018), and was therefore a candidate for classification through an automated scoring system. Utilizing variant allele frequency, disease prevalence and penetrance estimates, and inheritance mode, an automated score was calculated to assess if this variant is too frequent to cause the disease. Based on the score and internal cut-off values, a variant classified as benign is not then subjected to further curation. The score for this variant resulted in a classification of benign for this disease.

Illumina Laboratory Services, Illumina
Classification: Benign for Autosomal dominant nonsyndromic hearing loss 10. Last evaluated: 2018-01-13. Review status: criteria provided, single submitter. Criteria: ICSL Variant Classification Criteria 13 December 2019. Collection method: clinical testing. Allele origin: germline.
Comment: the same text as in the submission from Illumina Laboratory Services, Illumina above.

GeneDx
Classification: Benign. Last evaluated: 2017-05-09. Review status: criteria provided, single submitter. Criteria: GeneDx Variant Classification (06012015). Collection method: clinical testing. Allele origin: germline. Affected: yes.
Comment: This variant is considered likely benign or benign based on one or more of the following criteria: it is a conservative change, it occurs at a poorly conserved position in the protein, it is predicted to be benign by multiple in silico algorithms, and/or has population frequency not consistent with disease.

Ambry Genetics
Classification: Benign for Cardiovascular phenotype. Last evaluated: 2015-06-19. Review status: criteria provided, single submitter. Criteria: Ambry Variant Classification Scheme 2023. Collection method: clinical testing. Allele origin: germline.

Biesecker Lab/Clinical Genomics Section, National Institutes of Health
Classification: Benign. Last evaluated: 2013-06-24. Review status: criteria provided, single submitter. Criteria: Ng et al. (Circ Cardiovasc Genet. 2013). Collection method: research. Allele origin: unknown. Observed: 461 variant alleles. Study: ClinSeq.
Comment: The study set was not selected for affection status in relation to any cancer. Pathogenicity categories were based on literature curation. See Pubmed ID:23861362 for details.

Medical sequencing

Laboratory for Molecular Medicine, Mass General Brigham Personalized Medicine
Classification: Benign. Last evaluated: 2012-05-07. Review status: criteria provided, single submitter. Criteria: LMM Criteria. Collection method: clinical testing. Allele origin: germline. Observed: 960 variant alleles.
Comment: Gly277Ser in Exon 11 of EYA4: This variant is not expected to have clinical sign ificance because it has been identified in 48.2% (1802/3738) of African American chromosomes from a broad population by the NHLBI Exome Sequencing Project (dbSNP rs9493627).

Breakthrough Genomics
Classification: Likely benign. Review status: criteria provided, single submitter. Criteria: ACMG Guidelines, 2015. Collection method: not provided. Allele origin: germline. Inheritance: Autosomal dominant inheritance. Affected: yes.

PreventionGenetics, part of Exact Sciences
Classification: Benign. Review status: criteria provided, single submitter. Criteria: ACMG Guidelines, 2015. Collection method: clinical testing. Allele origin: germline.

Clinical Genetics DNA and cytogenetics Diagnostics Lab, Erasmus MC, Erasmus Medical Center
Classification: Benign. Review status: no assertion criteria provided. Collection method: clinical testing. Allele origin: germline. Affected: yes. Study: VKGL Data-share Consensus. Not counted in ClinVar's aggregate classification.

Diagnostic Laboratory, Department of Genetics, University Medical Center Groningen
Classification: Benign. Review status: no assertion criteria provided. Collection method: clinical testing. Allele origin: germline. Affected: yes. Study: VKGL Data-share Consensus. Not counted in ClinVar's aggregate classification.

Joint Genome Diagnostic Labs from Nijmegen and Maastricht, Radboudumc and MUMC+
Classification: Benign. Review status: no assertion criteria provided. Collection method: clinical testing. Allele origin: germline. Affected: yes. Study: VKGL Data-share Consensus. Not counted in ClinVar's aggregate classification.

NM_004100.5(EYA4):c.829G>A (p.Gly277Ser)

Gene: EYA4 (EYA transcriptional coactivator and phosphatase 4; plus strand). Cytogenetic location: 6q23.2.
Variant type: single nucleotide variant.
Coding change: c.829G>A on transcript NM_004100.5 (MANE Select); coding-DNA position 829, G replaced by A.
Protein change: p.Gly277Ser; replaces glycine 277 with serine.
Molecular consequence: missense variant.
Genome position (GRCh38, 1-based): chr6:133,468,590, G>A. VCF-style: chr6-133468590-G-A. GRCh37 (hg19) VCF-style: chr6-133789728-G-A.
Other names: c.667G>A, p.Gly223Ser (NM_001301012.2, NM_001370459.1); c.829G>A, p.Gly277Ser (NM_001301013.2, NM_172105.4); c.760G>A, p.Gly254Ser (NM_001370458.1, NM_172103.4); short protein forms G277S, G254S, G223S.
Identifiers: ClinVar variation 44773 (VCV000044773.34), dbSNP rs9493627, ClinGen allele CA135011.
Genomic context (GRCh38, chr6:133,468,590, plus strand): 5'-CTCTTTCAAACACACACATCTCAATTATTGTTTCAGGATTATCCATCCTATACAGCCTTT[G>A]GCCAAAACCAGTATGCACAGTATTATTCAGCATCAACGTATGGAGCGTATATGACATCGA-3'
Protein context (NP_004091.3, residues 267-287): QQDYPSYTAF[Gly277Ser]QNQYAQYYSA